The following is an entry in ClinVar:

NM_001378120.1(MBD5):c.1252A>T (p.Asn418Tyr)

Gene: MBD5 (methyl-CpG binding domain protein 5; plus strand). Cytogenetic location: 2q23.1.
Variant type: single nucleotide variant.
Coding change: c.1252A>T on transcript NM_001378120.1 (MANE Select); coding-DNA position 1252, A replaced by T.
Protein change: p.Asn418Tyr; replaces asparagine 418 with tyrosine.
Molecular consequence: missense variant.
Genome position (GRCh38, 1-based): chr2:148,469,195, A>T. VCF-style: chr2-148469195-A-T. GRCh37 (hg19) VCF-style: chr2-149226764-A-T.
Other names: c.1252A>T, p.Asn418Tyr (NM_018328.5); short protein forms N418Y.
Identifiers: ClinVar variation 1760975 (VCV001760975.3), dbSNP rs1417890574, ClinGen allele CA348719297.

ClinVar aggregate classification (germline): Uncertain significance. Review status: criteria provided, multiple submitters, no conflicts (2 of 4 stars). 2 submissions from 2 submitters: Uncertain significance (2). Last evaluated 2023-02-01.

Conditions:
Inborn genetic diseases. Identifiers: MedGen C0950123, MeSH D030342.

Submissions (2):

GeneDx
Classification: Uncertain significance. Last evaluated: 2023-02-01. Review status: criteria provided, single submitter. Criteria: GeneDx Variant Classification Process June 2021. Collection method: clinical testing. Allele origin: germline. Affected: yes.
Comment: Not observed at significant frequency in large population cohorts (gnomAD); In silico analysis supports that this missense variant does not alter protein structure/function; Has not been previously published as pathogenic or benign to our knowledge

Ambry Genetics
Classification: Uncertain significance for Inborn genetic diseases. Last evaluated: 2019-02-08. Review status: criteria provided, single submitter. Criteria: Ambry Variant Classification Scheme 2023. Collection method: clinical testing. Allele origin: germline.
Comment: The p.N418Y variant (also known as c.1252A>T), located in coding exon 4 of the MBD5 gene, results from an A to T substitution at nucleotide position 1252. The asparagine at codon 418 is replaced by tyrosine, an amino acid with dissimilar properties. This amino acid position is not well conserved in available vertebrate species. In addition, this alteration is predicted to be tolerated by in silico analysis. Since supporting evidence is limited at this time, the clinical significance of this alteration remains unclear.